The following is an entry in ClinVar:

NM_006734.4(HIVEP2):c.6602T>C (p.Leu2201Pro)

Gene: HIVEP2 (HIVEP zinc finger 2; minus strand). Cytogenetic location: 6q24.2.
Variant type: single nucleotide variant.
Coding change: c.6602T>C on transcript NM_006734.4 (MANE Select); coding-DNA position 6602, T replaced by C.
Protein change: p.Leu2201Pro; replaces leucine 2201 with proline.
Molecular consequence: missense variant.
Genome position (GRCh38, 1-based): chr6:142,753,846, A>G on the plus strand (T>C on the coding strand, the complement: HIVEP2 is on the minus strand). VCF-style: chr6-142753846-A-G. GRCh37 (hg19) VCF-style: chr6-143074983-A-G.
Other names: short protein forms L2201P.
Identifiers: ClinVar variation 3233758 (VCV003233758.2), dbSNP rs2482735797, ClinGen allele CA365942133.

ClinVar aggregate classification (germline): Uncertain significance (1 of 4 stars; one submission).

gnomAD v4.1: 1 of 1,613,760 alleles (0.000062%); highest among the groups gnomAD compares: Non-Finnish European, 0.000085%; no homozygotes.

Submission:

Women's Health and Genetics/Laboratory Corporation of America, LabCorp
Classification: Uncertain significance. Last evaluated: 2024-03-26. Review status: criteria provided, single submitter. Criteria: LabCorp Variant Classification Summary - May 2015. Collection method: clinical testing. Allele origin: germline.
Comment: Variant summary: HIVEP2 c.6602T>C (p.Leu2201Pro) results in a non-conservative amino acid change in the encoded protein sequence. Three of five in-silico tools predict a benign effect of the variant on protein function. The variant was absent in 249478 control chromosomes (gnopmAD). The available data on variant occurrences in the general population are insufficient to allow any conclusion about variant significance. To our knowledge, no occurrence of c.6602T>C in individuals affected with Intellectual Disability, Autosomal Dominant 43 and no experimental evidence demonstrating its impact on protein function have been reported. No submitters have cited clinical-significance assessments for this variant to ClinVar. Based on the evidence outlined above, the variant was classified as uncertain significance.